The following is an entry in ClinVar:

ClinVar aggregate classification (germline): Uncertain significance (1 of 4 stars; one submission).

Conditions:
Immunodeficiency 36 with lymphoproliferation. Also called: ACTIVATED PI3K-DELTA SYNDROME 2; Activated PI3K Delta Syndrome Type 2 (APDS2); Immunodeficiency 36. Identifiers: Orphanet 397596, Orphanet 693681, MedGen C4014934, MONDO:0014453, OMIM 616005.
Agammaglobulinemia 7, autosomal recessive (AGM7). Also called: AGAMMAGLOBULINEMIA, AUTOSOMAL RECESSIVE, DUE TO PIK3R1 DEFECT. Identifiers: MedGen C3554689, MONDO:0014083, OMIM 615214.
SHORT syndrome. Also called: SHORT STATURE, HYPEREXTENSIBILITY, HERNIA, OCULAR DEPRESSION, RIEGER ANOMALY, AND TEETHING DELAY; PIK3R1-Related SHORT Syndrome; LIPODYSTROPHY, PARTIAL, WITH RIEGER ANOMALY AND SHORT STATURE. Identifiers: Orphanet 3163, MedGen C0878684, MONDO:0010026, OMIM 269880.

Submission:

Labcorp Genetics (formerly Invitae), Labcorp
Classification: Uncertain significance for SHORT syndrome; Immunodeficiency 36 with lymphoproliferation; Agammaglobulinemia 7, autosomal recessive. Last evaluated: 2021-08-17. Review status: criteria provided, single submitter. Criteria: Invitae Variant Classification Sherloc (09022015). Collection method: clinical testing. Allele origin: germline.
Comment: This sequence change replaces isoleucine with asparagine at codon 267 of the PIK3R1 protein (p.Ile267Asn). The isoleucine residue is moderately conserved and there is a large physicochemical difference between isoleucine and asparagine. This variant is not present in population databases (ExAC no frequency). This variant has not been reported in the literature in individuals with PIK3R1-related conditions. Algorithms developed to predict the effect of missense changes on protein structure and function are either unavailable or do not agree on the potential impact of this missense change (SIFT: "Deleterious"; PolyPhen-2: "Benign"; Align-GVGD: "Class C0"). In summary, the available evidence is currently insufficient to determine the role of this variant in disease. Therefore, it has been classified as a Variant of Uncertain Significance.

NM_181523.3(PIK3R1):c.800T>A (p.Ile267Asn)

Gene: PIK3R1 (phosphoinositide-3-kinase regulatory subunit 1; plus strand). Cytogenetic location: 5q13.1.
Variant type: single nucleotide variant.
Coding change: c.800T>A on transcript NM_181523.3 (MANE Select); coding-DNA position 800, T replaced by A.
Protein change: p.Ile267Asn; replaces isoleucine 267 with asparagine.
Molecular consequence: missense variant.
Genome position (GRCh38, 1-based): chr5:68,280,693, T>A. VCF-style: chr5-68280693-T-A. GRCh37 (hg19) VCF-style: chr5-67576521-T-A.
Other names: short protein forms I267N.
Identifiers: ClinVar variation 1052966 (VCV001052966.9), dbSNP rs2112195905, ClinGen allele CA359875591.